The following is an entry in ClinVar:

NM_021120.4(DLG3):c.1145+604G>T

Gene: DLG3 (discs large MAGUK scaffold protein 3; plus strand). Cytogenetic location: Xq13.1.
Variant type: single nucleotide variant.
Coding change: c.1145+604G>T on transcript NM_021120.4 (MANE Select); 604 bases into the intron after coding-DNA position 1145, G replaced by T.
Molecular consequence: intron variant. On other transcripts: missense variant (1).
Genome position (GRCh38, 1-based): chrX:70,452,630, G>T. VCF-style: chrX-70452630-G-T. GRCh37 (hg19) VCF-style: chrX-69672480-G-T.
Other names: c.9G>T, p.Arg3Ser (NM_020730.3); short protein forms R3S.
Identifiers: ClinVar variation 4527256 (VCV004527256.1).

ClinVar aggregate classification (germline): Uncertain significance (1 of 4 stars; one submission).

gnomAD v4.1: 2 of 1,187,622 alleles (0.00017%); highest among the groups gnomAD compares: Admixed American, 0.0023%; no homozygotes.

Submission:

GeneDx
Classification: Uncertain significance. Last evaluated: 2025-04-21. Review status: criteria provided, single submitter. Criteria: GeneDx Variant Classification Process June 2021. Collection method: clinical testing. Allele origin: germline. Affected: yes.
Comment: In silico analysis indicates that this missense variant does not alter protein structure/function; Has not been previously published as pathogenic or benign to our knowledge; Reported using an alternate transcript of the gene